The following is an entry in ClinVar:

NM_203288.2(RP9):c.117del (p.Gln40fs)

Genes: RP9 (RP9 pre-mRNA splicing factor; minus strand), LOC129998224 (ATAC-STARR-seq lymphoblastoid silent region 18089; plus strand). Cytogenetic location: 7p14.3.
Variant type: Deletion.
Coding change: c.117del on transcript NM_203288.2 (MANE Select); coding-DNA position 117, one base deleted (G; older notation c.117delG).
Protein change: p.Gln40fs; shifts the reading frame from glutamine 40.
Molecular consequence: frameshift variant.
Genome position (GRCh38, 1-based): chr7:33,109,256, C deleted on the plus strand (G on the coding strand, the reverse complement: RP9 is on the minus strand). VCF-style (leftmost placement, unchanged base first): chr7-33109255-GC-G. GRCh37 (hg19) VCF-style: chr7-33148867-GC-G.
Other names: short protein forms Q40fs.
Identifiers: ClinVar variation 2731697 (VCV002731697.3), dbSNP rs1349149157, ClinGen allele CA837775411.

ClinVar aggregate classification (germline): Uncertain significance (1 of 4 stars; one submission).

Allele frequency attached by ClinVar (database versions not stated): TOPMed 0.00001.

Submission:

Labcorp Genetics (formerly Invitae), Labcorp
Classification: Uncertain significance. Last evaluated: 2025-08-13. Review status: criteria provided, single submitter. Criteria: Invitae Variant Classification Sherloc (09022015). Collection method: clinical testing. Allele origin: germline.
Comment: This sequence change creates a premature translational stop signal (p.Gln40Serfs*91) in the RP9 gene. It is expected to result in an absent or disrupted protein product. However, the current clinical and genetic evidence is not sufficient to establish whether loss-of-function variants in RP9 cause disease. This variant is not present in population databases (gnomAD no frequency). This variant has not been reported in the literature in individuals affected with RP9-related conditions. ClinVar contains an entry for this variant (Variation ID: 2731697). In summary, the available evidence is currently insufficient to determine the role of this variant in disease. Therefore, it has been classified as a Variant of Uncertain Significance.